The following is an entry in ClinVar:

NM_000465.4(BARD1):c.945A>T (p.Pro315=)

Gene: BARD1 (BRCA1 associated RING domain 1; minus strand). Cytogenetic location: 2q35.
Variant type: single nucleotide variant.
Coding change: c.945A>T on transcript NM_000465.4 (MANE Select); coding-DNA position 945, A replaced by T.
Protein change: p.Pro315=; no amino-acid change (proline 315 retained).
Molecular consequence: synonymous variant. On other transcripts: non-coding transcript variant (2), intron variant (3).
Genome position (GRCh38, 1-based): chr2:214,780,929, T>A on the plus strand (A>T on the coding strand, the complement: BARD1 is on the minus strand). VCF-style: chr2-214780929-T-A. GRCh37 (hg19) VCF-style: chr2-215645653-T-A.
Other names: c.888A>T, p.Pro296= (NM_001282543.2); c.159-28374A>T (NM_001282548.2); c.215+16132A>T (NM_001282545.2); c.364+11368A>T (NM_001282549.2).
Identifiers: ClinVar variation 233243 (VCV000233243.19), dbSNP rs876660284, ClinGen allele CA10577828.
Genomic context (GRCh38, chr2:214,780,929, plus strand): 5'-TCTCTTAGAAATGGGACTGGAAAGTCTATTGTGATGGCCACGTTTTCCATTATTTTCTAA[T>A]GGCAAAGATTTCTTAGATGTAAGATAATTTTTGCAGACCTTCTCAGGAGTCACTACTTCA-3'
Protein context (NP_000456.2, residues 305-325): KNYLTSKKSL[Pro315=]LENNGKRGHH

ClinVar aggregate classification (germline): Benign/Likely benign. Review status: criteria provided, multiple submitters, no conflicts (2 of 4 stars). 4 submissions from 4 submitters: Benign (1); Likely benign (3). Last evaluated 2026-01-08.

Conditions:
Hereditary cancer-predisposing syndrome. Also called: Neoplastic Syndromes, Hereditary; Tumor predisposition; Hereditary Cancer Syndrome; Hereditary neoplastic syndrome. Identifiers: Orphanet 140162, MedGen C0027672, MeSH D009386, MONDO:0015356.
Familial cancer of breast. Also called: BREAST CANCER, FAMILIAL; hereditary breast carcinoma; Hereditary breast cancer. Identifiers: Orphanet 227535, MedGen C0346153, MONDO:0016419, OMIM 114480. Disease mechanism: loss of function.

Allele frequency attached by ClinVar (database versions not stated): gnomAD exomes below 0.00001; TOPMed 0.00001; gnomAD 0.00002.
gnomAD v4.1: 5 of 1,613,878 alleles (0.00031%); highest among the groups gnomAD compares: African/African-American, 0.0053%; no homozygotes.

Submissions (4):

Labcorp Genetics (formerly Invitae), Labcorp
Classification: Likely benign for Familial cancer of breast. Last evaluated: 2026-01-08. Review status: criteria provided, single submitter. Criteria: Invitae Variant Classification Sherloc (09022015). Collection method: clinical testing. Allele origin: germline.

Myriad Genetics, Inc.
Classification: Benign for Familial cancer of breast. Last evaluated: 2024-07-23. Review status: criteria provided, single submitter. Criteria: Myriad Autosomal Dominant, Autosomal Recessive and X-Linked Classification Criteria (2023). Collection method: clinical testing. Allele origin: unknown.
Comment: This variant is considered benign. This variant is a silent/synonymous amino acid change and it is not expected to impact splicing.

Women's Health and Genetics/Laboratory Corporation of America, LabCorp
Classification: Likely benign. Last evaluated: 2020-07-30. Review status: criteria provided, single submitter. Criteria: LabCorp Variant Classification Summary - May 2015. Collection method: clinical testing. Allele origin: germline.

Ambry Genetics
Classification: Likely benign for Hereditary cancer-predisposing syndrome. Last evaluated: 2015-07-24. Review status: criteria provided, single submitter. Criteria: Ambry Variant Classification Scheme 2023. Collection method: clinical testing. Allele origin: germline.